The following is an entry in ClinVar:

ClinVar aggregate classification (germline): Uncertain significance (1 of 4 stars; one submission).

Conditions:
Hereditary cancer-predisposing syndrome. Also called: Neoplastic Syndromes, Hereditary; Hereditary Cancer Syndrome; Tumor predisposition; Hereditary neoplastic syndrome. Identifiers: Orphanet 140162, MedGen C0027672, MeSH D009386, MONDO:0015356.

Submission:

Ambry Genetics
Classification: Uncertain significance for Hereditary cancer-predisposing syndrome. Last evaluated: 2025-02-12. Review status: criteria provided, single submitter. Criteria: Ambry Variant Classification Scheme 2023. Collection method: clinical testing. Allele origin: germline.
Comment: The p.V357F variant (also known as c.1069G>T), located in coding exon 6 of the RET gene, results from a G to T substitution at nucleotide position 1069. The valine at codon 357 is replaced by phenylalanine, an amino acid with highly similar properties. This amino acid position is conserved. In addition, the in silico prediction for this alteration is inconclusive. Based on the available evidence, the clinical significance of this variant remains unclear.

NM_020975.6(RET):c.1069G>T (p.Val357Phe)

Gene: RET (ret proto-oncogene; plus strand). Cytogenetic location: 10q11.21.
Variant type: single nucleotide variant.
Coding change: c.1069G>T on transcript NM_020975.6 (MANE Select); coding-DNA position 1069, G replaced by T.
Protein change: p.Val357Phe; replaces valine 357 with phenylalanine.
Molecular consequence: missense variant. On other transcripts: intron variant (18).
Genome position (GRCh38, 1-based): chr10:43,109,036, G>T. VCF-style: chr10-43109036-G-T. GRCh37 (hg19) VCF-style: chr10-43604484-G-T.
Other names: c.307G>T, p.Val103Phe (NM_001355216.2); c.1069G>T, p.Val357Phe (NM_001406743.1, NM_001406744.1, NM_001406759.1 and 4 more transcripts); c.940G>T, p.Val314Phe (NM_001406761.1, NM_001406762.1, NM_001406764.1 and 1 more transcripts); c.781G>T, p.Val261Phe (NM_001406766.1, NM_001406767.1, NM_001406770.1); c.631G>T, p.Val211Phe (NM_001406771.1, NM_001406773.1); c.343G>T, p.Val115Phe (NM_001406775.1, NM_001406776.1, NM_001406777.1 and 1 more transcripts); c.79G>T, p.Val27Phe (NM_001406784.1); c.868-2171G>T (NM_001406772.1, NM_001406769.1); and 5 more; short protein forms V211F, V27F, V115F, V261F, V357F, V103F, V314F.
Identifiers: ClinVar variation 3788344 (VCV003788344.1).